The following is an entry in ClinVar:

ClinVar aggregate classification (germline): Likely pathogenic (1 of 4 stars; one submission).

Conditions:
Tyrosinase-positive oculocutaneous albinism (OCA2). Also called: Oculocutaneous albinism type 2; Albinism, oculocutaneous, type II; ALBINISM II. Identifiers: Orphanet 79432, MedGen C0268495, MONDO:0008746, OMIM 203200.

Submission:

New York Genome Center
Classification: Likely pathogenic for Tyrosinase-positive oculocutaneous albinism. Last evaluated: 2024-11-19. Review status: criteria provided, single submitter. Criteria: NYGC Assertion Criteria 2020. Collection method: clinical testing. Allele origin: inherited. Observed: 1 variant allele, 1 heterozygote.
Comment: The deleted region (chr15:27861823-27952300) encompasses exons 18 to 21 of the OCA2 gene as well as surrounding and intervening intronic sequences, which is predicted to lead to an in-frame loss of 133 amino acids (p.(His615_Met748del)). This variant has not been reported in public variant repositories (ClinVar and Decipher) and is absent from gnomADv4.1.0 (SVs) suggesting it is not a common benign variant in the populations represented in those databases. An OCA2 exon 18-21 deletion removing the same exons as the variant identified here, but with unspecified breakpoints has previously been reported in a large genome sequencing study in an individual diagnosed with albinism [PMID:34838614]. Additionally, a smaller overlapping deletion resulting in the in-frame loss of exon 21 (714-748 aa) has also been reported in a compound heterozygous state as pathogenic in an individual diagnosed with Oculocutaneous albinism (OCA) in the literature [PMID: 31229681]. Based on available evidence this inherited heterozygous ~90kb deletion leading to the in-frame loss of exon 18 - 21 of the OCA2 gene is classified as Likely Pathogenic.

NM_000275.3:c.1843-408_2244+9331del

Gene: OCA2 (OCA2 melanosomal transmembrane protein; minus strand).
Variant type: Deletion.
Other names: c.1843-408_2244+9331del (NM_000275.3).
Identifiers: ClinVar variation 4888420 (VCV004888420.1).